The following is an entry in ClinVar:

ClinVar aggregate classification (germline): Benign/Likely benign. Review status: criteria provided, multiple submitters, no conflicts (2 of 4 stars). 4 submissions from 4 submitters: Benign (1); Likely benign (3). Last evaluated 2025-10-01.

Conditions:
Hereditary cancer-predisposing syndrome. Also called: Tumor predisposition; Neoplastic Syndromes, Hereditary; Hereditary Cancer Syndrome; Hereditary neoplastic syndrome. Identifiers: Orphanet 140162, MedGen C0027672, MeSH D009386, MONDO:0015356.
Familial cancer of breast. Also called: Hereditary breast cancer; BREAST CANCER, FAMILIAL; hereditary breast carcinoma. Identifiers: Orphanet 227535, MedGen C0346153, MONDO:0016419, OMIM 114480. Disease mechanism: loss of function.
Ataxia-telangiectasia syndrome (AT). Also called: Ataxia-telangiectasia; Cerebello-oculocutaneous telangiectasia; Immunodeficiency with ataxia telangiectasia; ATAXIA-TELANGIECTASIA, COMPLEMENTATION GROUP A; ATAXIA-TELANGIECTASIA, FRESNO VARIANT; Ataxia-telangiectasia, complementation group D. Identifiers: Orphanet 100, MedGen C0004135, MONDO:0008840, OMIM 208900.

Allele frequency attached by ClinVar (database versions not stated): ExAC 0.00001; gnomAD 0.00001; gnomAD exomes 0.00001 and below 0.00001; ESP Exome Variant Server 0.00008.

Submissions (4):

Labcorp Genetics (formerly Invitae), Labcorp
Classification: Likely benign for Ataxia-telangiectasia syndrome. Last evaluated: 2025-10-01. Review status: criteria provided, single submitter. Criteria: Invitae Variant Classification Sherloc (09022015). Collection method: clinical testing. Allele origin: germline.

Myriad Genetics, Inc.
Classification: Benign for Familial cancer of breast. Last evaluated: 2024-05-01. Review status: criteria provided, single submitter. Criteria: Myriad Autosomal Dominant, Autosomal Recessive and X-Linked Classification Criteria (2023). Collection method: clinical testing. Allele origin: unknown.
Comment: This variant is considered benign. This variant is a silent/synonymous amino acid change and it is not expected to impact splicing.

Ambry Genetics
Classification: Likely benign for Hereditary cancer-predisposing syndrome. Last evaluated: 2020-07-01. Review status: criteria provided, single submitter. Criteria: Ambry Variant Classification Scheme 2023. Collection method: clinical testing. Allele origin: germline.

Color Diagnostics, LLC DBA Color Health
Classification: Likely benign for Hereditary cancer-predisposing syndrome. Last evaluated: 2019-07-08. Review status: criteria provided, single submitter. Criteria: ACMG Guidelines, 2015. Collection method: clinical testing. Allele origin: germline.

NM_000051.4(ATM):c.1746C>T (p.Phe582=)

Gene: ATM (ATM serine/threonine kinase; plus strand). Cytogenetic location: 11q22.3.
Variant type: single nucleotide variant.
Coding change: c.1746C>T on transcript NM_000051.4 (MANE Select); coding-DNA position 1746, C replaced by T.
Protein change: p.Phe582=; no amino-acid change (phenylalanine 582 retained).
Molecular consequence: synonymous variant.
Genome position (GRCh38, 1-based): chr11:108,251,975, C>T. VCF-style: chr11-108251975-C-T. GRCh37 (hg19) VCF-style: chr11-108122702-C-T.
Other names: c.1746C>T, p.Phe582= (NM_001351834.2).
Identifiers: ClinVar variation 414536 (VCV000414536.17), dbSNP rs145629926, ClinGen allele CA6264863.